The following is an entry in ClinVar:

NM_006031.6(PCNT):c.9309G>A (p.Thr3103=)

Gene: PCNT (pericentrin; plus strand). Cytogenetic location: 21q22.3.
Variant type: single nucleotide variant.
Coding change: c.9309G>A on transcript NM_006031.6 (MANE Select); coding-DNA position 9309, G replaced by A.
Protein change: p.Thr3103=; no amino-acid change (threonine 3103 retained).
Molecular consequence: synonymous variant.
Genome position (GRCh38, 1-based): chr21:46,440,118, G>A. VCF-style: chr21-46440118-G-A. GRCh37 (hg19) VCF-style: chr21-47860031-G-A.
Other names: c.8718G>A, p.Thr2906= (NM_001315529.2); c.9309G>A (NM_006031.5).
Identifiers: ClinVar variation 2076509 (VCV002076509.5), dbSNP rs1003542353, ClinGen allele CA322027269.

ClinVar aggregate classification (germline): Likely benign. Review status: criteria provided, multiple submitters, no conflicts (2 of 4 stars). 2 submissions from 2 submitters: Likely benign (2). Last evaluated 2025-12-22.

Conditions:
PCNT-related disorder. Also called: PCNT-related condition.

gnomAD v4.1: 3 of 1,614,104 alleles (0.00019%); highest among the groups gnomAD compares: Non-Finnish European, 0.00017%; no homozygotes.

Submissions (2):

PreventionGenetics, part of Exact Sciences
Classification: Likely benign for PCNT-related condition. Last evaluated: 2025-12-22. Review status: criteria provided, single submitter. Criteria: ACMG Guidelines, 2015. Collection method: clinical testing. Allele origin: germline.
Comment: This variant is classified as likely benign based on ACMG/AMP sequence variant interpretation guidelines (Richards et al. 2015 PMID: 25741868, with internal and published modifications).

Labcorp Genetics (formerly Invitae), Labcorp
Classification: Likely benign. Last evaluated: 2025-01-06. Review status: criteria provided, single submitter. Criteria: Invitae Variant Classification Sherloc (09022015). Collection method: clinical testing. Allele origin: germline.